The following is an entry in ClinVar:

ClinVar aggregate classification (germline): Pathogenic/Likely pathogenic. Review status: criteria provided, multiple submitters, no conflicts (2 of 4 stars). 5 submissions from 5 submitters: Pathogenic (3); Likely pathogenic (1). 1 of the submissions does not count toward it. Last evaluated 2025-01-08.

Conditions:
COACH syndrome 2. Identifiers: MedGen C5436837, MONDO:0030859, OMIM 619111.
Retinitis pigmentosa 93. Identifiers: MedGen C5676970, MONDO:0030797, OMIM 619845.
Meckel syndrome, type 6. Identifiers: Orphanet 564, MedGen C2676790, MONDO:0012848, OMIM 612284.
Joubert syndrome 9 (JBTS9). Identifiers: Orphanet 2318, MedGen C2676788, MONDO:0012849, OMIM 612285.
Meckel-Gruber syndrome. Also called: Dysencephalia splachnocystica; DYSENCEPHALIA SPLANCHNOCYSTICA; GRUBER SYNDROME. Identifiers: Orphanet 564, MedGen C0265215, MONDO:0018921.
Joubert syndrome. Also called: Familial aplasia of the vermis; JOUBERT-BOLTSHAUSER SYNDROME. Identifiers: Orphanet 475, MedGen C5979921, MONDO:0018772.
Joubert syndrome and related disorders. Identifiers: Orphanet 140874, MedGen C5679612, MONDO:0015369.

Submissions (5):

Labcorp Genetics (formerly Invitae), Labcorp
Classification: Pathogenic for Joubert syndrome; Meckel-Gruber syndrome. Last evaluated: 2025-01-08. Review status: criteria provided, single submitter. Criteria: Invitae Variant Classification Sherloc (09022015). Collection method: clinical testing. Allele origin: germline.
Comment: This sequence change creates a premature translational stop signal (p.Ala447Argfs*11) in the CC2D2A gene. It is expected to result in an absent or disrupted protein product. Loss-of-function variants in CC2D2A are known to be pathogenic (PMID: 19777577). This variant is present in population databases (rs757080705, gnomAD 0.0009%). This premature translational stop signal has been observed in individual(s) with Meckel syndrome (PMID: 19777577). ClinVar contains an entry for this variant (Variation ID: 56297). For these reasons, this variant has been classified as Pathogenic.

Fulgent Genetics
Classification: Pathogenic for Meckel syndrome, type 6; Joubert syndrome 9; COACH syndrome 2; Retinitis pigmentosa 93. Last evaluated: 2024-04-02. Review status: criteria provided, single submitter. Criteria: ACMG Guidelines, 2015. Collection method: clinical testing. Allele origin: germline.

Myriad Genetics, Inc.
Classification: Pathogenic for Joubert syndrome and related disorders. Last evaluated: 2024-02-28. Review status: criteria provided, single submitter. Criteria: Myriad Autosomal Dominant, Autosomal Recessive and X-Linked Classification Criteria (2023). Collection method: clinical testing. Allele origin: unknown.
Comment: NM_001080522.2(CC2D2A):c.1339delG(A447Rfs*11) is expected to be pathogenic in the context of CC2D2A-related disorders. This variant is predicted to lead to an abnormal or absent protein product due to the creation of a premature termination codon in CC2D2A, a gene where loss-of-function variants are known to be pathogenic. Please note: this variant was assessed in the context of healthy population screening.

Genetic Services Laboratory, University of Chicago
Classification: Likely pathogenic for Meckel syndrome 6. Last evaluated: 2016-12-12. Review status: criteria provided, single submitter. Criteria: ACMG Guidelines, 2015. Collection method: clinical testing. Allele origin: germline. Affected: yes.

Juha Muilu Group; Institute for Molecular Medicine Finland (FIMM)
Classification: Likely pathogenic for Meckel syndrome, type 6. Review status: no assertion criteria provided. Collection method: not provided. Allele origin: unknown. Not counted in ClinVar's aggregate classification.
Comment: FinDis database variant: This variant was not found or characterized by our laboratory, data were collected from public sources: see reference
ClinVar note: Converted during submission from probable-pathogenic to Likely pathogenic.

Literature cited by the submitters: PubMed 19777577 (cited by Labcorp Genetics (formerly Invitae), Labcorp).

NM_001378615.1(CC2D2A):c.1339del (p.Ala447fs)

Genes: CC2D2A (coiled-coil and C2 domain containing 2A; plus strand), FBXL5 (F-box and leucine rich repeat protein 5; minus strand). Cytogenetic location: 4p15.32.
Variant type: Deletion.
Coding change: c.1339del on transcript NM_001378615.1 (MANE Select); coding-DNA position 1339, one base deleted (G; older notation c.1339delG).
Protein change: p.Ala447fs; shifts the reading frame from alanine 447.
Molecular consequence: frameshift variant.
Genome position (GRCh38, 1-based): chr4:15,527,636, G deleted; the last of 2 consecutive G bases (chr4:15,527,635-15,527,636); deleting either gives the same sequence. VCF-style (leftmost placement, unchanged base first): chr4-15527634-AG-A. GRCh37 (hg19) VCF-style: chr4-15529257-AG-A.
Other names: c.1339delG (NM_001080522.2); c.1339del, p.Ala447fs (NM_001080522.2); c.1192del, p.Ala398fs (NM_001378617.1); short protein forms A398fs.
Identifiers: ClinVar variation 56297 (VCV000056297.15), dbSNP rs386833745, ClinGen allele CA144212.